The following is an entry in ClinVar:

NM_138694.4(PKHD1):c.5445_5452del (p.Tyr1816fs)

Gene: PKHD1 (PKHD1 ciliary IPT domain containing fibrocystin/polyductin; minus strand). Cytogenetic location: 6p12.2.
Variant type: Deletion.
Coding change: c.5445_5452del on transcript NM_138694.4 (MANE Select); coding-DNA positions 5445 to 5452, 8 bases deleted (CTATGTGC; older notation c.5445_5452delCTATGTGC).
Protein change: p.Tyr1816fs; shifts the reading frame from tyrosine 1816.
Molecular consequence: frameshift variant.
Genome position (GRCh38, 1-based): chr6:52,017,558-52,017,565, GCACATAG deleted on the plus strand (CTATGTGC on the coding strand, the reverse complement: PKHD1 is on the minus strand); deleting any 8 consecutive bases within chr6:52,017,558-52,017,566 gives the same sequence; the c. name uses the placement nearest the transcript's 3' end. VCF-style (leftmost placement, unchanged base first): chr6-52017557-TGCACATAG-T. GRCh37 (hg19) VCF-style: chr6-51882355-TGCACATAG-T.
Other names: c.5445_5452del, p.Tyr1816fs (NM_170724.3); short protein forms Y1816fs.
Identifiers: ClinVar variation 5012981 (VCV005012981.1).

ClinVar aggregate classification (germline): Pathogenic (1 of 4 stars; one submission).

Conditions:
Polycystic kidney disease 4 (PKD4). Also called: POLYCYSTIC KIDNEY AND HEPATIC DISEASE 1; POLYCYSTIC KIDNEY DISEASE, INFANTILE, TYPE I; POLYCYSTIC KIDNEY DISEASE 4 WITH OR WITHOUT POLYCYSTIC LIVER DISEASE; PKD3; Autosomal Recessive Polycystic Kidney Disease – PKHD1. Identifiers: MedGen C4540575, MONDO:0033004, OMIM 263200.

Submission:

Myriad Genetics, Inc.
Classification: Pathogenic for Polycystic kidney disease 4. Last evaluated: 2024-05-01. Review status: criteria provided, single submitter. Criteria: Myriad Autosomal Dominant, Autosomal Recessive and X-Linked Classification Criteria (2023). Collection method: clinical testing. Allele origin: unknown.
Comment: NM_138694.3(PKHD1):c.5445_5452del8(Y1816Vfs*2) is expected to be pathogenic in the context of autosomal recessive polycystic kidney disease, PKHD1-related. This variant is predicted to lead to an abnormal or absent protein product due to the creation of a premature termination codon in PKHD1, a gene where loss-of-function variants are known to be pathogenic. Please note: this variant was assessed in the context of healthy population screening.